The following is an entry in ClinVar:

ClinVar aggregate classification (germline): Uncertain significance. Review status: criteria provided, multiple submitters, no conflicts (2 of 4 stars). 2 submissions from 2 submitters: Uncertain significance (2). Last evaluated 2023-10-18.

Conditions:
Chédiak-Higashi syndrome (CHS). Also called: Chediak-Higashi Syndrome. Identifiers: Orphanet 167, MedGen C0007965, MONDO:0008963, OMIM 214500.

Allele frequency attached by ClinVar (database versions not stated): TOPMed 0.00002; gnomAD 0.00003; ExAC 0.00005; gnomAD exomes 0.00005; 1000 Genomes Project 30x 0.00016; 1000 Genomes Project 0.00020.
gnomAD v4.1: 73 of 1,613,952 alleles (0.0045%); highest among the groups gnomAD compares: South Asian, 0.035%; no homozygotes.

Submissions (2):

Blueprint Genetics
Classification: Uncertain significance. Last evaluated: 2023-10-18. Review status: criteria provided, single submitter. Criteria: ACMG Guidelines, 2015. Collection method: clinical testing. Allele origin: germline.

Labcorp Genetics (formerly Invitae), Labcorp
Classification: Uncertain significance for Chédiak-Higashi syndrome. Last evaluated: 2022-07-26. Review status: criteria provided, single submitter. Criteria: Invitae Variant Classification Sherloc (09022015). Collection method: clinical testing. Allele origin: germline.
Comment: This sequence change replaces aspartic acid, which is acidic and polar, with asparagine, which is neutral and polar, at codon 304 of the LYST protein (p.Asp304Asn). This variant is present in population databases (rs564593588, gnomAD 0.04%). This variant has not been reported in the literature in individuals affected with LYST-related conditions. ClinVar contains an entry for this variant (Variation ID: 1488451). Algorithms developed to predict the effect of missense changes on protein structure and function output the following: SIFT: "Tolerated"; PolyPhen-2: "Benign"; Align-GVGD: "Class C0". The asparagine amino acid residue is found in multiple mammalian species, which suggests that this missense change does not adversely affect protein function. In summary, the available evidence is currently insufficient to determine the role of this variant in disease. Therefore, it has been classified as a Variant of Uncertain Significance.

NM_000081.4(LYST):c.910G>A (p.Asp304Asn)

Gene: LYST (lysosomal trafficking regulator; minus strand). Cytogenetic location: 1q42.3.
Variant type: single nucleotide variant.
Coding change: c.910G>A on transcript NM_000081.4 (MANE Select); coding-DNA position 910, G replaced by A.
Protein change: p.Asp304Asn; replaces aspartic acid 304 with asparagine.
Molecular consequence: missense variant.
Genome position (GRCh38, 1-based): chr1:235,809,908, C>T on the plus strand (G>A on the coding strand, the complement: LYST is on the minus strand). VCF-style: chr1-235809908-C-T. GRCh37 (hg19) VCF-style: chr1-235973208-C-T.
Other names: c.910G>A, p.Asp304Asn (NM_001301365.1); short protein forms D304N.
Identifiers: ClinVar variation 1488451 (VCV001488451.4), dbSNP rs564593588, ClinGen allele CA1467542.